The following is an entry in ClinVar:

NM_000141.5(FGFR2):c.501T>C (p.His167=)

Gene: FGFR2 (fibroblast growth factor receptor 2; minus strand). Cytogenetic location: 10q26.13.
Variant type: single nucleotide variant.
Coding change: c.501T>C on transcript NM_000141.5 (MANE Select); coding-DNA position 501, T replaced by C.
Protein change: p.His167=; no amino-acid change (histidine 167 retained).
Molecular consequence: synonymous variant. On other transcripts: non-coding transcript variant (1).
Genome position (GRCh38, 1-based): chr10:121,551,413, A>G on the plus strand (T>C on the coding strand, the complement: FGFR2 is on the minus strand). VCF-style: chr10-121551413-A-G. GRCh37 (hg19) VCF-style: chr10-123310927-A-G.
Other names: c.501T>C, p.His167= (NM_001144913.1, NM_001144914.1, NM_001144917.2 and 2 more transcripts); c.234T>C, p.His78= (NM_001144915.2, NM_001144919.2, NM_023029.3); c.156T>C, p.His52= (NM_001144916.2, NM_001144918.2).
Identifiers: ClinVar variation 1618304 (VCV001618304.18), dbSNP rs766869457, ClinGen allele CA5721110.
Genomic context (GRCh38, chr10:121,551,413, plus strand): 5'-TGGCATTGGGTTCCCCCCGGCTGGGCAGCGAAACTTGACAGTGTTGGCCGCAGGCACAGC[A>G]TGGAGCCGCTTTTCCATCTTTTCTGTGTTGGTCCAGTATGGTGCTCCTGTTTTGGAAAAC-3'
Protein context (NP_000132.3, residues 157-177): TNTEKMEKRL[His167=]AVPAANTVKF

ClinVar aggregate classification (germline): Likely benign. Review status: criteria provided, multiple submitters, no conflicts (2 of 4 stars). 5 submissions from 5 submitters: Likely benign (5). Last evaluated 2026-07-01.

Conditions:
FGFR2-related craniosynostosis. Identifiers: MedGen CN231480.

Allele frequency attached by ClinVar (database versions not stated): TOPMed 0.00012; gnomAD exomes 0.00013 and 0.00014; gnomAD 0.00014 and 0.00016; ExAC 0.00015.
gnomAD v4.1: 214 of 1,614,060 alleles (0.013%); highest among the groups gnomAD compares: South Asian, 0.021%; no homozygotes.

Submissions (5):

CeGaT Center for Human Genetics Tuebingen
Classification: Likely benign. Last evaluated: 2026-07-01. Review status: criteria provided, single submitter. Criteria: CeGaT Center For Human Genetics Tuebingen Variant Classification Criteria Version 2. Collection method: clinical testing. Allele origin: germline. Affected: yes. Observed: 3 variant alleles.
Comment: FGFR2: BP4, BP7

Women's Health and Genetics/Laboratory Corporation of America, LabCorp
Classification: Likely benign. Last evaluated: 2026-03-27. Review status: criteria provided, single submitter. Criteria: LabCorp Variant Classification Summary - May 2015. Collection method: clinical testing. Allele origin: germline.

Labcorp Genetics (formerly Invitae), Labcorp
Classification: Likely benign for FGFR2-related craniosynostosis. Last evaluated: 2025-10-04. Review status: criteria provided, single submitter. Criteria: Invitae Variant Classification Sherloc (09022015). Collection method: clinical testing. Allele origin: germline.

Blueprint Genetics
Classification: Likely benign. Last evaluated: 2024-11-19. Review status: criteria provided, single submitter. Criteria: ACMG Guidelines, 2015. Collection method: clinical testing. Allele origin: germline.

Breakthrough Genomics
Classification: Likely benign. Review status: criteria provided, single submitter. Criteria: ACMG Guidelines, 2015. Collection method: not provided. Allele origin: germline. Inheritance: Autosomal dominant inheritance. Affected: yes.